The following is an entry in ClinVar:

NC_000009.11:g.(?_676973)_(2729727_?)del

Genes: DMRT1 (doublesex and mab-3 related transcription factor 1; plus strand), DMRT2 (doublesex and mab-3 related transcription factor 2; plus strand), DMRT3 (doublesex and mab-3 related transcription factor 3; plus strand), KANK1 (KN motif and ankyrin repeat domains 1; plus strand), KCNV2 (potassium voltage-gated channel modifier subfamily V member 2; plus strand) and 2 more. Cytogenetic location: 9p24.3-24.2.
Variant type: Deletion.
Identifiers: ClinVar variation 2426082 (VCV002426082.3).

ClinVar aggregate classification (germline): Uncertain significance (1 of 4 stars; one submission).

Submission:

Labcorp Genetics (formerly Invitae), Labcorp
Classification: Uncertain significance. Last evaluated: 2022-08-12. Review status: criteria provided, single submitter. Criteria: Invitae Variant Classification Sherloc (09022015). Collection method: clinical testing. Allele origin: germline.
Comment: A gross deletion of the genomic region encompassing the full coding sequence of the KANK1 gene has been identified. The current clinical and genetic evidence is not sufficient to establish whether loss-of-function variants in KANK1 cause disease. The boundaries of this event are unknown as they extend beyond the assayed region for this gene and therefore may encompass additional genes. A similar copy number variant has been observed in individual(s) with cerebral palsy (PMID: 25817843). In summary, the available evidence is currently insufficient to determine the role of this variant in disease. Therefore, it has been classified as a Variant of Uncertain Significance.

Literature cited by the submitters: PubMed 25817843.